The following is an entry in ClinVar:

NM_001126108.2(SLC12A3):c.2505G>A (p.Trp835Ter)

Gene: SLC12A3 (solute carrier family 12 member 3; plus strand). Cytogenetic location: 16q13.
Variant type: single nucleotide variant.
Coding change: c.2505G>A on transcript NM_001126108.2 (MANE Select); coding-DNA position 2505, G replaced by A.
Protein change: p.Trp835Ter; replaces tryptophan 835 with a stop codon.
Molecular consequence: nonsense.
Genome position (GRCh38, 1-based): chr16:56,893,038, G>A. VCF-style: chr16-56893038-G-A. GRCh37 (hg19) VCF-style: chr16-56926950-G-A.
Other names: c.2532G>A, p.Trp844Ter (NM_000339.3); c.2529G>A, p.Trp843Ter (NM_001126107.2); short protein forms W844*, W835*, W843*.
Identifiers: ClinVar variation 586603 (VCV000586603.10), dbSNP rs1366655422, ClinGen allele CA395996381.
Genomic context (GRCh38, chr16:56,893,038, plus strand): 5'-GGAGCAGGCCACCACCATCTTCCAGTCGGAGCAGGGCAAGAAGACCATAGACATCTACTG[G>A]CTCTTTGACGATGGAGGTCAGTGACCCCCTTGGATCAGCCCTCCTGCCCGGCGGGGGCGG-3'

ClinVar aggregate classification (germline): Pathogenic. Review status: criteria provided, multiple submitters, no conflicts (2 of 4 stars). 5 submissions from 5 submitters: Pathogenic (5). Last evaluated 2025-07-25.

Conditions:
Familial hypokalemia-hypomagnesemia (GTLMNS). Also called: HYPOMAGNESEMIA-HYPOKALEMIA, PRIMARY RENOTUBULAR, WITH HYPOCALCIURIA; POTASSIUM AND MAGNESIUM DEPLETION; gitelman syndrome. Identifiers: Orphanet 358, MedGen C0268450, MONDO:0009904, OMIM 263800.

Allele frequency attached by ClinVar (database versions not stated): gnomAD 0.00001 and 0.00003; gnomAD exomes 0.00001.
gnomAD v4.1: 4 of 1,613,976 alleles (0.00025%); highest among the groups gnomAD compares: East Asian, 0.0089%; no homozygotes.

Submissions (5):

Natera, Inc.
Classification: Pathogenic for Gitelman syndrome. Last evaluated: 2025-07-25. Review status: criteria provided, single submitter. Criteria: Natera Variant Classification Schema (03/2026). Collection method: clinical testing. Allele origin: germline.
Comment: The c.2532G>A variant in SLC12A3 is a nonsense variant predicted to introduce a stop codon at amino acid 844. This variant is expected to result in nonsense mediated decay, truncation, or a dysfunctional protein product. This variant is rare in the general population with a frequency below the threshold expected for the associated phenotype(s). This variant has been observed in one or more individuals affected with the associated recessive disease, as either homozygous or compound heterozygous with a second variant (PMID: 33382082). Given the available evidence, this variant is classified as Pathogenic.

Fulgent Genetics
Classification: Pathogenic for Familial hypokalemia-hypomagnesemia. Last evaluated: 2024-03-27. Review status: criteria provided, single submitter. Criteria: ACMG Guidelines, 2015. Collection method: clinical testing. Allele origin: germline.

Labcorp Genetics (formerly Invitae), Labcorp
Classification: Pathogenic. Last evaluated: 2023-05-31. Review status: criteria provided, single submitter. Criteria: Invitae Variant Classification Sherloc (09022015). Collection method: clinical testing. Allele origin: germline.
Comment: This variant is present in population databases (no rsID available, gnomAD 0.02%). This sequence change creates a premature translational stop signal (p.Trp844*) in the SLC12A3 gene. It is expected to result in an absent or disrupted protein product. Loss-of-function variants in SLC12A3 are known to be pathogenic (PMID: 20848653, 22009145, 25841442). This premature translational stop signal has been observed in individuals with Gitelman syndrome (PMID: 15687331, 26121437). For these reasons, this variant has been classified as Pathogenic. ClinVar contains an entry for this variant (Variation ID: 586603).

Athena Diagnostics
Classification: Pathogenic. Last evaluated: 2017-09-20. Review status: criteria provided, single submitter. Criteria: Athena Diagnostics Criteria. Collection method: clinical testing. Allele origin: germline.

Juno Genomics, Hangzhou Juno Genomics, Inc
Classification: Pathogenic for Familial hypokalemia-hypomagnesemia. Review status: criteria provided, single submitter. Criteria: ACMG Guidelines, 2015. Collection method: clinical testing. Allele origin: germline. Affected: yes.
Comment: Absent from controls (or at extremely low frequency if recessive) in Genome Aggregation Database, Exome Sequencing Project, 1000 Genomes Project, or Exome Aggregation Consortium.;Null variant in a gene where loss of function (LOF) is a known mechanism of disease.;For recessive disorders, detected in trans with a pathogenic variant.;Patient's phenotype or family history is highly specific for a disease with a single genetic etiology.

Literature cited by the submitters: PubMed 33382082 (cited by Natera, Inc.); PubMed 20848653 (cited by Labcorp Genetics (formerly Invitae), Labcorp and Athena Diagnostics); PubMed 22009145 (cited by Labcorp Genetics (formerly Invitae), Labcorp); PubMed 25841442 (cited by Labcorp Genetics (formerly Invitae), Labcorp); PubMed 15687331 (cited by Labcorp Genetics (formerly Invitae), Labcorp and Athena Diagnostics); PubMed 26121437 (cited by Labcorp Genetics (formerly Invitae), Labcorp and Athena Diagnostics); PubMed 25525159 (cited by Athena Diagnostics); PubMed 21051746 (cited by Athena Diagnostics); PubMed 28469853 (cited by Athena Diagnostics); PubMed 19033254 (cited by Athena Diagnostics).